The following is an entry in ClinVar:

NM_000059.4(BRCA2):c.902A>G (p.Asp301Gly)

Gene: BRCA2 (BRCA2 DNA repair associated; plus strand). Cytogenetic location: 13q13.1.
Variant type: single nucleotide variant.
Coding change: c.902A>G on transcript NM_000059.4 (MANE Select); coding-DNA position 902, A replaced by G.
Protein change: p.Asp301Gly; replaces aspartic acid 301 with glycine.
Molecular consequence: missense variant.
Genome position (GRCh38, 1-based): chr13:32,332,380, A>G. VCF-style: chr13-32332380-A-G. GRCh37 (hg19) VCF-style: chr13-32906517-A-G.
Other names: p.D301G:GAT>GGT; short protein forms D301G.
Identifiers: ClinVar variation 182182 (VCV000182182.20), dbSNP rs730881508, ClinGen allele CA025936.

ClinVar aggregate classification (germline): Conflicting classifications of pathogenicity. Review status: criteria provided, conflicting classifications (1 of 4 stars). 6 submissions from 6 submitters: Uncertain significance (5); Likely benign (1). Last evaluated 2025-11-10.

Conditions:
Hereditary cancer-predisposing syndrome. Also called: Tumor predisposition; Hereditary Cancer Syndrome; Hereditary neoplastic syndrome; Neoplastic Syndromes, Hereditary. Identifiers: Orphanet 140162, MedGen C0027672, MeSH D009386, MONDO:0015356.
Hereditary breast ovarian cancer syndrome. Also called: Breast and ovarian cancer; Hereditary breast and ovarian cancer; Hereditary breast and/or ovarian cancer syndrome; BRCA1- and BRCA2-Associated Hereditary Breast and Ovarian Cancer; Hereditary breast and ovarian cancer syndrome (HBOC); Hereditary breast and ovarian cancer syndrome. Identifiers: Orphanet 145, MedGen C0677776, MeSH D061325, MONDO:0003582. Disease mechanism: loss of function.

Allele frequency attached by ClinVar (database versions not stated): gnomAD 0.00001; gnomAD exomes 0.00001; ExAC 0.00002.
gnomAD v4.1: 7 of 1,593,760 alleles (0.00044%); highest among the groups gnomAD compares: Admixed American, 0.0018%; no homozygotes.

Submissions (6):

Labcorp Genetics (formerly Invitae), Labcorp
Classification: Uncertain significance for Hereditary breast ovarian cancer syndrome. Last evaluated: 2025-11-10. Review status: criteria provided, single submitter. Criteria: Invitae Variant Classification Sherloc (09022015). Collection method: clinical testing. Allele origin: germline.
Comment: This sequence change replaces aspartic acid, which is acidic and polar, with glycine, which is neutral and non-polar, at codon 301 of the BRCA2 protein (p.Asp301Gly). This variant is present in population databases (rs730881508, gnomAD 0.002%). This missense change has been observed in individual(s) with breast and/or ovarian cancer (PMID: 34026625). ClinVar contains an entry for this variant (Variation ID: 182182). Invitae Evidence Modeling of protein sequence and biophysical properties (such as structural, functional, and spatial information, amino acid conservation, physicochemical variation, residue mobility, and thermodynamic stability) indicates that this missense variant is not expected to disrupt BRCA2 protein function with a negative predictive value of 95%. RNA analysis performed to evaluate the impact of this missense change on mRNA splicing indicates it does not significantly alter splicing (internal data). In summary, the available evidence is currently insufficient to determine the role of this variant in disease. Therefore, it has been classified as a Variant of Uncertain Significance.

Ambry Genetics
Classification: Uncertain significance for Hereditary cancer-predisposing syndrome. Last evaluated: 2024-05-16. Review status: criteria provided, single submitter. Criteria: Ambry Variant Classification Scheme 2023. Collection method: clinical testing. Allele origin: germline.
Comment: The p.D301G variant (also known as c.902A>G), located in coding exon 9 of the BRCA2 gene, results from an A to G substitution at nucleotide position 902. The aspartic acid at codon 301 is replaced by glycine, an amino acid with similar properties. This amino acid position is not well conserved in available vertebrate species. In addition, this alteration is predicted to be tolerated by in silico analysis. Based on the available evidence, the clinical significance of this variant remains unclear.

University of Washington Department of Laboratory Medicine, University of Washington
Classification: Likely benign for Hereditary cancer-predisposing syndrome. Last evaluated: 2023-03-23. Review status: criteria provided, single submitter. Criteria: Dines et al. (Genet Med. 2020). Collection method: curation. Allele origin: germline.
Comment: Missense variant in a coldspot region where missense variants are very unlikely to be pathogenic (PMID:31911673).

BRCA2 exon 10 coldspot. Reclassification based on statistical prior probability.

Color Diagnostics, LLC DBA Color Health
Classification: Uncertain significance for Hereditary cancer-predisposing syndrome. Last evaluated: 2022-07-25. Review status: criteria provided, single submitter. Criteria: ACMG Guidelines, 2015. Collection method: clinical testing. Allele origin: germline.
Comment: This missense variant replaces aspartic acid with glycine at codon 301 of the BRCA2 protein. Computational prediction suggests that this variant may not impact protein structure and function (internally defined REVEL score threshold <= 0.5, PMID: 27666373). To our knowledge, functional studies have not been reported for this variant. This variant has been reported in an individual affected with a BRCA2-associated cancer (PMID: 34026625). This variant has been identified in 2/239400 chromosomes in the general population by the Genome Aggregation Database (gnomAD). The available evidence is insufficient to determine the role of this variant in disease conclusively. Therefore, this variant is classified as a Variant of Uncertain Significance.

Women's Health and Genetics/Laboratory Corporation of America, LabCorp
Classification: Uncertain significance. Last evaluated: 2022-05-19. Review status: criteria provided, single submitter. Criteria: LabCorp Variant Classification Summary - May 2015. Collection method: clinical testing. Allele origin: germline.
Comment: Variant summary: BRCA2 c.902A>G (p.Asp301Gly) results in a non-conservative amino acid change in the encoded protein sequence. Four of five in-silico tools predict a benign effect of the variant on protein function. The variant allele was found at a frequency of 8.4e-06 in 239400 control chromosomes. The available data on variant occurrences in the general population are insufficient to allow any conclusion about variant significance. c.902A>G has been reported in the literature in at least one individual affected with Hereditary Breast And Ovarian Cancer Syndrome. This report does not provide unequivocal conclusions about association of the variant with Hereditary Breast And Ovarian Cancer Syndrome. To our knowledge, no experimental evidence demonstrating an impact on protein function has been reported. Three clinical diagnostic laboratories have submitted clinical-significance assessments for this variant to ClinVar after 2014 without evidence for independent evaluation. All laboratories classified the variant as uncertain significance. Based on the evidence outlined above, the variant was classified as uncertain significance.

GeneDx
Classification: Uncertain significance. Last evaluated: 2014-01-07. Review status: criteria provided, single submitter. Criteria: GeneDx Variant Classification (06012015). Collection method: clinical testing. Allele origin: germline. Affected: yes.
Comment: This variant is denoted BRCA2 c.902A>G at the cDNA level and p.Asp301Gly (D301G) at the protein level, and results in the change of an Aspartic Acid to a Glycine (GAT>GGT). This variant has not, to our knowledge, been published in the literature as pathogenic or benign. This variant was not observed in approximately 6,500 individuals of European and African American ancestry in the NHLBI Exome Sequencing Project. This variant is a non-conservative amino acid substitution in which a negative polar residue is replaced with a neutral non-polar one, altering a position that is only moderately conserved throughout evolution, and is not in a known functional domain. In silico analyses predict this variant to have a benign effect on protein structure and function. Based on currently available information, we consider this to be a variant of uncertain significance.

Literature cited by the submitters: PubMed 34026625 (cited by 3 submitters).